The following is an entry in ClinVar:

NM_003716.4(CADPS):c.3477+7A>G

Gene: CADPS (calcium dependent secretion activator; minus strand). Cytogenetic location: 3p14.2.
Variant type: single nucleotide variant.
Coding change: c.3477+7A>G on transcript NM_003716.4 (MANE Select); 7 bases into the intron after coding-DNA position 3477, A replaced by G.
Molecular consequence: intron variant.
Genome position (GRCh38, 1-based): chr3:62,474,166, T>C on the plus strand (A>G on the coding strand, the complement: CADPS is on the minus strand). VCF-style: chr3-62474166-T-C. GRCh37 (hg19) VCF-style: chr3-62459841-T-C.
Other names: c.3240+7A>G (NM_183393.3); c.3360+7A>G (NM_183394.3).
Identifiers: ClinVar variation 3051251 (VCV003051251.2), dbSNP rs566908931, ClinGen allele CA2476367.

ClinVar aggregate classification (germline): Likely benign (0 of 4 stars; one submission).

Conditions:
CADPS-related disorder. Also called: CADPS-related condition.

Allele frequency attached by ClinVar (database versions not stated): TOPMed 0.00001; gnomAD 0.00009; gnomAD exomes 0.00015; ExAC 0.00048; 1000 Genomes Project 0.00080; 1000 Genomes Project 30x 0.00125.
gnomAD v4.1: 213 of 1,455,770 alleles (0.015%); highest among the groups gnomAD compares: South Asian, 0.29%; 7 homozygotes.

Submission:

PreventionGenetics, part of Exact Sciences
Classification: Likely benign for CADPS-related condition. Last evaluated: 2019-04-09. Review status: no assertion criteria provided. Collection method: clinical testing. Allele origin: germline.
Comment: This variant is classified as likely benign based on ACMG/AMP sequence variant interpretation guidelines (Richards et al. 2015 PMID: 25741868, with internal and published modifications).